The following is an entry in ClinVar:

NM_020223.4(FAM20C):c.435_461del (p.Arg146_Pro154del)

Gene: FAM20C (FAM20C golgi associated secretory pathway kinase; plus strand). Cytogenetic location: 7p22.3.
Variant type: Deletion.
Coding change: c.435_461del on transcript NM_020223.4 (MANE Select); coding-DNA positions 435 to 461, 27 bases deleted (GCGTCGGTCCGAGTCGCCCCCCGGCCC).
Protein change: p.Arg146_Pro154del.
Molecular consequence: inframe deletion.
Genome position (GRCh38, 1-based): chr7:193,634-193,660, GCGTCGGTCCGAGTCGCCCCCCGGCCC deleted; deleting any 27 consecutive bases within chr7:193,625-193,660 gives the same sequence; the c. name uses the placement nearest the transcript's 3' end. VCF-style (leftmost placement, unchanged base first): chr7-193624-ACCCCGGCCCGCGTCGGTCCGAGTCGCC-A. GRCh37 (hg19) VCF-style: chr7-193624-ACCCCGGCCCGCGTCGGTCCGAGTCGCC-A.
Identifiers: ClinVar variation 1372474 (VCV001372474.6), dbSNP rs1785698663, ClinGen allele CA1681832927.

ClinVar aggregate classification (germline): Uncertain significance (1 of 4 stars; one submission).

Submission:

Labcorp Genetics (formerly Invitae), Labcorp
Classification: Uncertain significance. Last evaluated: 2022-01-20. Review status: criteria provided, single submitter. Criteria: Invitae Variant Classification Sherloc (09022015). Collection method: clinical testing. Allele origin: germline.
Comment: This variant, c.435_461del, results in the deletion of 9 amino acid(s) of the FAM20C protein (p.Arg146_Pro154del), but otherwise preserves the integrity of the reading frame. This variant is not present in population databases (gnomAD no frequency). This variant has not been reported in the literature in individuals affected with FAM20C-related conditions. Experimental studies and prediction algorithms are not available or were not evaluated, and the functional significance of this variant is currently unknown. In summary, the available evidence is currently insufficient to determine the role of this variant in disease. Therefore, it has been classified as a Variant of Uncertain Significance.